The following is an entry in ClinVar:

NM_000384.3(APOB):c.4108T>G (p.Ser1370Ala)

Gene: APOB (apolipoprotein B; minus strand). Cytogenetic location: 2p24.1.
Variant type: single nucleotide variant.
Coding change: c.4108T>G on transcript NM_000384.3 (MANE Select); coding-DNA position 4108, T replaced by G.
Protein change: p.Ser1370Ala; replaces serine 1370 with alanine.
Molecular consequence: missense variant.
Genome position (GRCh38, 1-based): chr2:21,013,268, A>C on the plus strand (T>G on the coding strand, the complement: APOB is on the minus strand). VCF-style: chr2-21013268-A-C. GRCh37 (hg19) VCF-style: chr2-21236140-A-C.
Other names: short protein forms S1370A.
Identifiers: ClinVar variation 3307133 (VCV003307133.1).

ClinVar aggregate classification (germline): Uncertain significance (1 of 4 stars; one submission).

Conditions:
Cardiovascular phenotype. Identifiers: MedGen CN230736.

gnomAD v4.1: 2 of 1,614,228 alleles (0.00012%); highest among the groups gnomAD compares: Non-Finnish European, 0.00017%; no homozygotes.

Submission:

Ambry Genetics
Classification: Uncertain significance for Cardiovascular phenotype. Last evaluated: 2024-03-29. Review status: criteria provided, single submitter. Criteria: Ambry Variant Classification Scheme 2023. Collection method: clinical testing. Allele origin: germline.
Comment: The p.S1370A variant (also known as c.4108T>G), located in coding exon 25 of the APOB gene, results from a T to G substitution at nucleotide position 4108. The serine at codon 1370 is replaced by alanine, an amino acid with similar properties. This amino acid position is conserved. In addition, this alteration is predicted to be tolerated by in silico analysis. Based on the available evidence, the clinical significance of this alteration remains unclear.